The following is an entry in ClinVar:

ClinVar aggregate classification (germline): Uncertain significance (1 of 4 stars; one submission).

Conditions:
Werner syndrome (WRN). Identifiers: Orphanet 902, MedGen C0043119, MONDO:0010196, OMIM 277700.

Allele frequency attached by ClinVar (database versions not stated): TOPMed below 0.00001; gnomAD 0.00001.
gnomAD v4.1: 6 of 1,603,214 alleles (0.00037%); highest among the groups gnomAD compares: Non-Finnish European, 0.00051%; no homozygotes.

Submission:

Labcorp Genetics (formerly Invitae), Labcorp
Classification: Uncertain significance for Werner syndrome. Last evaluated: 2025-08-07. Review status: criteria provided, single submitter. Criteria: Invitae Variant Classification Sherloc (09022015). Collection method: clinical testing. Allele origin: germline.
Comment: This sequence change replaces glycine, which is neutral and non-polar, with glutamic acid, which is acidic and polar, at codon 574 of the WRN protein (p.Gly574Glu). This variant is not present in population databases (gnomAD no frequency). This variant has not been reported in the literature in individuals affected with WRN-related conditions. ClinVar contains an entry for this variant (Variation ID: 580232). An algorithm developed to predict the effect of missense changes on protein structure and function (PolyPhen-2) suggests that this variant is likely to be disruptive. RNA analysis performed to evaluate the impact of this missense change on mRNA splicing indicates it does not significantly alter splicing (internal data). In summary, the available evidence is currently insufficient to determine the role of this variant in disease. Therefore, it has been classified as a Variant of Uncertain Significance.

NM_000553.6(WRN):c.1721G>A (p.Gly574Glu)

Gene: WRN (WRN RecQ like helicase; plus strand). Cytogenetic location: 8p12.
Variant type: single nucleotide variant.
Coding change: c.1721G>A on transcript NM_000553.6 (MANE Select); coding-DNA position 1721, G replaced by A.
Protein change: p.Gly574Glu; replaces glycine 574 with glutamic acid.
Molecular consequence: missense variant.
Genome position (GRCh38, 1-based): chr8:31,090,834, G>A. VCF-style: chr8-31090834-G-A. GRCh37 (hg19) VCF-style: chr8-30948350-G-A.
Other names: short protein forms G574E.
Identifiers: ClinVar variation 580232 (VCV000580232.6), dbSNP rs1563344853, ClinGen allele CA370927351.